The following is an entry in ClinVar:

NM_206933.4(USH2A):c.8626T>A (p.Trp2876Arg)

Gene: USH2A (usherin; minus strand). Cytogenetic location: 1q41.
Variant type: single nucleotide variant.
Coding change: c.8626T>A on transcript NM_206933.4 (MANE Select); coding-DNA position 8626, T replaced by A.
Protein change: p.Trp2876Arg; replaces tryptophan 2876 with arginine.
Molecular consequence: missense variant.
Genome position (GRCh38, 1-based): chr1:215,877,813, A>T on the plus strand (T>A on the coding strand, the complement: USH2A is on the minus strand). VCF-style: chr1-215877813-A-T. GRCh37 (hg19) VCF-style: chr1-216051155-A-T.
Other names: p.Trp2876Arg; short protein forms W2876R.
Identifiers: ClinVar variation 2682719 (VCV002682719.3), dbSNP rs1664812505, ClinGen allele CA344829310.
Genomic context (GRCh38, chr1:215,877,813, plus strand): 5'-CTCACCTGCTAAGACCCTTATCTTCATAAAGCCACTGAGTTCCTGAATAAATATTGTGCC[A>T]CCGATTTAAATCTTCTGGGGGATTTGATGCAAGTGGCTGCTGGATTTTACGTCTCAGAAG-3'
Protein context (NP_996816.3, residues 2866-2886): ASNPPEDLNR[Trp2876Arg]HNIYSGTQWL

ClinVar aggregate classification (germline): Uncertain significance. Review status: criteria provided, multiple submitters, no conflicts (2 of 4 stars). 2 submissions from 2 submitters: Uncertain significance (2). Last evaluated 2024-08-10.

Allele frequency attached by ClinVar (database versions not stated): gnomAD 0.00001; gnomAD exomes 0.00002.

Submissions (2):

Labcorp Genetics (formerly Invitae), Labcorp
Classification: Uncertain significance. Last evaluated: 2024-08-10. Review status: criteria provided, single submitter. Criteria: Invitae Variant Classification Sherloc (09022015). Collection method: clinical testing. Allele origin: germline.
Comment: This sequence change replaces tryptophan, which is neutral and slightly polar, with arginine, which is basic and polar, at codon 2876 of the USH2A protein (p.Trp2876Arg). This variant is not present in population databases (gnomAD no frequency). This variant has not been reported in the literature in individuals affected with USH2A-related conditions. Advanced modeling of protein sequence and biophysical properties (such as structural, functional, and spatial information, amino acid conservation, physicochemical variation, residue mobility, and thermodynamic stability) has been performed at Invitae for this missense variant, however the output from this modeling did not meet the statistical confidence thresholds required to predict the impact of this variant on USH2A protein function. In summary, the available evidence is currently insufficient to determine the role of this variant in disease. Therefore, it has been classified as a Variant of Uncertain Significance.

Mayo Clinic Laboratories, Mayo Clinic
Classification: Uncertain significance. Last evaluated: 2022-08-30. Review status: criteria provided, single submitter. Criteria: ACMG Guidelines, 2015. Collection method: clinical testing. Allele origin: germline. Observed: 1 variant allele.
Comment: PM2